The following is an entry in ClinVar:

NM_000051.4(ATM):c.4493T>C (p.Leu1498Ser)

Gene: ATM (ATM serine/threonine kinase; plus strand). Cytogenetic location: 11q22.3.
Variant type: single nucleotide variant.
Coding change: c.4493T>C on transcript NM_000051.4 (MANE Select); coding-DNA position 4493, T replaced by C.
Protein change: p.Leu1498Ser; replaces leucine 1498 with serine.
Molecular consequence: missense variant.
Genome position (GRCh38, 1-based): chr11:108,292,675, T>C. VCF-style: chr11-108292675-T-C. GRCh37 (hg19) VCF-style: chr11-108163402-T-C.
Other names: c.4493T>C, p.Leu1498Ser (NM_001351834.2); short protein forms L1498S.
Identifiers: ClinVar variation 482642 (VCV000482642.11), dbSNP rs1329359780, ClinGen allele CA382533385.

ClinVar aggregate classification (germline): Uncertain significance. Review status: criteria provided, multiple submitters, no conflicts (2 of 4 stars). 2 submissions from 2 submitters: Uncertain significance (2). Last evaluated 2022-08-08.

Conditions:
Hereditary cancer-predisposing syndrome. Also called: Hereditary neoplastic syndrome; Neoplastic Syndromes, Hereditary; Tumor predisposition; Hereditary Cancer Syndrome. Identifiers: Orphanet 140162, MedGen C0027672, MeSH D009386, MONDO:0015356.
Ataxia-telangiectasia syndrome (AT). Also called: LOUIS-BAR SYNDROME; Cerebello-oculocutaneous telangiectasia; Immunodeficiency with ataxia telangiectasia; AT, COMPLEMENTATION GROUP C; Ataxia-telangiectasia, complementation group D; ATAXIA-TELANGIECTASIA, COMPLEMENTATION GROUP A. Identifiers: Orphanet 100, MedGen C0004135, MONDO:0008840, OMIM 208900.

Submissions (2):

Labcorp Genetics (formerly Invitae), Labcorp
Classification: Uncertain significance for Ataxia-telangiectasia syndrome. Last evaluated: 2022-08-08. Review status: criteria provided, single submitter. Criteria: Invitae Variant Classification Sherloc (09022015). Collection method: clinical testing. Allele origin: germline.
Comment: This sequence change replaces leucine, which is neutral and non-polar, with serine, which is neutral and polar, at codon 1498 of the ATM protein (p.Leu1498Ser). This variant is not present in population databases (gnomAD no frequency). In summary, the available evidence is currently insufficient to determine the role of this variant in disease. Therefore, it has been classified as a Variant of Uncertain Significance. Advanced modeling of protein sequence and biophysical properties (such as structural, functional, and spatial information, amino acid conservation, physicochemical variation, residue mobility, and thermodynamic stability) performed at Invitae indicates that this missense variant is not expected to disrupt ATM protein function. ClinVar contains an entry for this variant (Variation ID: 482642). This variant has not been reported in the literature in individuals affected with ATM-related conditions.

Ambry Genetics
Classification: Uncertain significance for Hereditary cancer-predisposing syndrome. Last evaluated: 2016-10-11. Review status: criteria provided, single submitter. Criteria: Ambry Variant Classification Scheme 2023. Collection method: clinical testing. Allele origin: germline.
Comment: The p.L1498S variant (also known as c.4493T>C), located in coding exon 29 of the ATM gene, results from a T to C substitution at nucleotide position 4493. The leucine at codon 1498 is replaced by serine, an amino acid with dissimilar properties. This variant was not reported in population based cohorts in the following databases: Database of Single Nucleotide Polymorphisms (dbSNP), NHLBI Exome Sequencing Project (ESP), and 1000 Genomes Project. In the ESP, this variant was not observed in 6499 samples (12998 alleles) with coverage at this position. To date, this alteration has been detected with an allele frequency of approximately 0.001% (greater than 180000 alleles tested) in our clinical cohort. This amino acid position is highly conserved in available vertebrate species. In addition, this alteration is predicted to be deleterious by in silico analysis. Since supporting evidence is limited at this time, the clinical significance of this alteration remains unclear.